The following is an entry in ClinVar:

NM_000361.3(THBD):c.1182C>T (p.Phe394=)

Gene: THBD (thrombomodulin; minus strand). Cytogenetic location: 20p11.21.
Variant type: single nucleotide variant.
Coding change: c.1182C>T on transcript NM_000361.3 (MANE Select); coding-DNA position 1182, C replaced by T.
Protein change: p.Phe394=; no amino-acid change (phenylalanine 394 retained).
Molecular consequence: synonymous variant.
Genome position (GRCh38, 1-based): chr20:23,048,323, G>A on the plus strand (C>T on the coding strand, the complement: THBD is on the minus strand). VCF-style: chr20-23048323-G-A. GRCh37 (hg19) VCF-style: chr20-23028960-G-A.
Identifiers: ClinVar variation 2847801 (VCV002847801.3), dbSNP rs2515203657, ClinGen allele CA510160189.

ClinVar aggregate classification (germline): Uncertain significance (1 of 4 stars; one submission).

Allele frequency attached by ClinVar (database versions not stated): gnomAD exomes below 0.00001.

Submission:

Labcorp Genetics (formerly Invitae), Labcorp
Classification: Uncertain significance. Last evaluated: 2023-05-05. Review status: criteria provided, single submitter. Criteria: Invitae Variant Classification Sherloc (09022015). Collection method: clinical testing. Allele origin: germline.
Comment: This sequence change affects codon 394 of the THBD mRNA. It is a 'silent' change, meaning that it does not change the encoded amino acid sequence of the THBD protein. This variant is not present in population databases (gnomAD no frequency). This variant has not been reported in the literature in individuals affected with THBD-related conditions. Experimental studies and prediction algorithms are not available or were not evaluated, and the effect of this variant on mRNA splicing is currently unknown. In summary, the available evidence is currently insufficient to determine the role of this variant in disease. Therefore, it has been classified as a Variant of Uncertain Significance.